The following is an entry in ClinVar:

ClinVar aggregate classification (germline): Pathogenic (1 of 4 stars; one submission).

Submission:

Seattle Children's Hospital Molecular Genetics Laboratory, Seattle Children's Hospital
Classification: Pathogenic. Last evaluated: 2021-03-04. Review status: criteria provided, single submitter. Criteria: ACMG Guidelines, 2015. Collection method: clinical testing. Allele origin: germline. Affected: yes.
Comment: The c.2184+1G>C single nucleotide substitution is predicted to disrupt RNA splicing and likely results in an absent or disrupted protein product.

NM_002890.3(RASA1):c.2184+1G>C

Genes: CCNH (cyclin H; minus strand), RASA1 (RAS p21 protein activator 1; plus strand). Cytogenetic location: 5q14.3.
Variant type: single nucleotide variant.
Coding change: c.2184+1G>C on transcript NM_002890.3 (MANE Select); the canonical splice donor site of the intron after coding-DNA position 2184, G replaced by C.
Molecular consequence: splice donor variant. On other transcripts: intron variant (1).
Genome position (GRCh38, 1-based): chr5:87,376,566, G>C. VCF-style: chr5-87376566-G-C. GRCh37 (hg19) VCF-style: chr5-86672383-G-C.
Other names: c.1653+1G>C (NM_022650.3); c.933+18478C>G (NM_001364075.2).
Identifiers: ClinVar variation 1691328 (VCV001691328.2), dbSNP rs1761341362, ClinGen allele CA360379788.
Genomic context (GRCh38, chr5:87,376,566, plus strand): 5'-CGAGCACGATACTCTATGGAAAAAATCATGCCAGAAGAAGAGTACAGTGAATTTAAAGAG[G>C]TATTAAATTATTTATCAGTCTTGTTTTTGTTGGAATTAACAGAAACATTTAACATTTAAT-3'